The following is an entry in ClinVar:

NM_020655.4(JPH3):c.1033G>A (p.Gly345Ser)

Gene: JPH3 (junctophilin 3; plus strand). Cytogenetic location: 16q24.2.
Variant type: single nucleotide variant.
Coding change: c.1033G>A on transcript NM_020655.4 (MANE Select); coding-DNA position 1033, G replaced by A.
Protein change: p.Gly345Ser; replaces glycine 345 with serine.
Molecular consequence: missense variant. On other transcripts: non-coding transcript variant (1).
Genome position (GRCh38, 1-based): chr16:87,644,908, G>A. VCF-style: chr16-87644908-G-A. GRCh37 (hg19) VCF-style: chr16-87678514-G-A.
Other names: c.1033G>A (NM_020655.2); short protein forms G345S.
Identifiers: ClinVar variation 713606 (VCV000713606.14), dbSNP rs144550250, ClinGen allele CA8220935.
Genomic context (GRCh38, chr16:87,644,908, plus strand): 5'-TGCATGACCTTCCCGGACGGCACCAAGGAGGAGGGCAAGTACAAGCAGAACATCCTCGTC[G>A]GCGGCAAGCGCAAGAACCTCATCCCCCTGCGGGCCAGCAAGATCCGCGAGAAGGTGGACC-3'
Protein context (NP_065706.2, residues 335-355): EGKYKQNILV[Gly345Ser]GKRKNLIPLR

ClinVar aggregate classification (germline): Benign/Likely benign. Review status: criteria provided, multiple submitters, no conflicts (2 of 4 stars). 5 submissions from 5 submitters: Benign (1); Likely benign (3). 1 of the submissions does not count toward it. Last evaluated 2026-01-01.

Conditions:
JPH3-related disorder. Also called: JPH3-related condition.
Inborn genetic diseases. Identifiers: MedGen C0950123, MeSH D030342.

Allele frequency attached by ClinVar (database versions not stated): 1000 Genomes Project 0.00060; 1000 Genomes Project 30x 0.00062; gnomAD 0.00105; TOPMed 0.00147; ESP Exome Variant Server 0.00169.
gnomAD v4.1: 3,167 of 1,612,950 alleles (0.2%); highest among the groups gnomAD compares: Non-Finnish European, 0.24%; 7 homozygotes.

Submissions (5):

CeGaT Center for Human Genetics Tuebingen
Classification: Benign. Last evaluated: 2026-01-01. Review status: criteria provided, single submitter. Criteria: CeGaT Center For Human Genetics Tuebingen Variant Classification Criteria Version 2. Collection method: clinical testing. Allele origin: germline. Affected: yes. Observed: 1 variant allele.
Comment: JPH3: BS1, BS2

Blueprint Genetics
Classification: Likely benign. Last evaluated: 2024-10-31. Review status: criteria provided, single submitter. Criteria: ACMG Guidelines, 2015. Collection method: clinical testing. Allele origin: germline.

Ambry Genetics
Classification: Likely benign for Inborn genetic diseases. Last evaluated: 2022-04-07. Review status: criteria provided, single submitter. Criteria: Ambry Variant Classification Scheme 2023. Collection method: clinical testing. Allele origin: germline.

Labcorp Genetics (formerly Invitae), Labcorp
Classification: Likely benign. Last evaluated: 2019-12-31. Review status: criteria provided, single submitter. Criteria: Invitae Variant Classification Sherloc (09022015). Collection method: clinical testing. Allele origin: germline.

PreventionGenetics, part of Exact Sciences
Classification: Likely benign for JPH3-related condition. Last evaluated: 2022-08-25. Review status: no assertion criteria provided. Collection method: clinical testing. Allele origin: germline. Not counted in ClinVar's aggregate classification.
Comment: This variant is classified as likely benign based on ACMG/AMP sequence variant interpretation guidelines (Richards et al. 2015 PMID: 25741868, with internal and published modifications).